The following is an entry in ClinVar:

ClinVar aggregate classification (germline): Uncertain significance (1 of 4 stars; one submission).

Conditions:
Multiple endocrine neoplasia, type 1 (MEN1). Also called: MEA I; MEN I; WERMER SYNDROME; Endocrine adenomatosis multiple; MEN 1. Identifiers: Orphanet 652, MedGen C0025267, MeSH D018761, MONDO:0007540, OMIM 131100.

Submission:

Labcorp Genetics (formerly Invitae), Labcorp
Classification: Uncertain significance for Multiple endocrine neoplasia, type 1. Last evaluated: 2025-04-23. Review status: criteria provided, single submitter. Criteria: Invitae Variant Classification Sherloc (09022015). Collection method: clinical testing. Allele origin: germline.
Comment: This sequence change replaces phenylalanine, which is neutral and non-polar, with valine, which is neutral and non-polar, at codon 146 of the MEN1 protein (p.Phe146Val). This variant is not present in population databases (gnomAD no frequency). This variant has not been reported in the literature in individuals affected with MEN1-related conditions. Invitae Evidence Modeling of protein sequence and biophysical properties (such as structural, functional, and spatial information, amino acid conservation, physicochemical variation, residue mobility, and thermodynamic stability) indicates that this missense variant is expected to disrupt MEN1 protein function with a positive predictive value of 95%. In summary, the available evidence is currently insufficient to determine the role of this variant in disease. Therefore, it has been classified as a Variant of Uncertain Significance.

NM_001370259.2(MEN1):c.436T>G (p.Phe146Val)

Gene: MEN1 (menin 1; minus strand). Cytogenetic location: 11q13.1.
Variant type: single nucleotide variant.
Coding change: c.436T>G on transcript NM_001370259.2 (MANE Select); coding-DNA position 436, T replaced by G.
Protein change: p.Phe146Val; replaces phenylalanine 146 with valine.
Molecular consequence: missense variant. On other transcripts: non-coding transcript variant (4).
Genome position (GRCh38, 1-based): chr11:64,809,674, A>C on the plus strand (T>G on the coding strand, the complement: MEN1 is on the minus strand). VCF-style: chr11-64809674-A-C. GRCh37 (hg19) VCF-style: chr11-64577146-A-C.
Other names: c.436T>G, p.Phe146Val (NM_130799.3, NM_130800.3, NM_130801.3 and 20 more transcripts); short protein forms F146V.
Identifiers: ClinVar variation 4800429 (VCV004800429.1).